The following is an entry in ClinVar:

ClinVar aggregate classification (germline): Uncertain significance. Review status: criteria provided, multiple submitters, no conflicts (2 of 4 stars). 2 submissions from 2 submitters: Uncertain significance (2). Last evaluated 2025-06-10.

Conditions:
Intellectual disability. Also called: Intellectual functioning disability; intellectual disabilities; Intellectual developmental disorder. Identifiers: MedGen C3714756, MeSH D008607, MONDO:0001071, HP:0001249.

Allele frequency attached by ClinVar (database versions not stated): gnomAD exomes 0.00001; gnomAD 0.00001.
gnomAD v4.1: 11 of 1,613,718 alleles (0.00068%); highest among the groups gnomAD compares: African/African-American, 0.0013%; no homozygotes.

Submissions (3):

Labcorp Genetics (formerly Invitae), Labcorp
Classification: Uncertain significance. Last evaluated: 2025-06-10. Review status: criteria provided, single submitter. Criteria: Invitae Variant Classification Sherloc (09022015). Collection method: clinical testing. Allele origin: germline.
Comment: This sequence change replaces arginine, which is basic and polar, with histidine, which is basic and polar, at codon 134 of the GNB1 protein (p.Arg134His). This variant is not present in population databases (gnomAD no frequency). This variant has not been reported in the literature in individuals affected with GNB1-related conditions. ClinVar contains an entry for this variant (Variation ID: 1956570). Invitae Evidence Modeling of protein sequence and biophysical properties (such as structural, functional, and spatial information, amino acid conservation, physicochemical variation, residue mobility, and thermodynamic stability) indicates that this missense variant is not expected to disrupt GNB1 protein function with a negative predictive value of 80%. In summary, the available evidence is currently insufficient to determine the role of this variant in disease. Therefore, it has been classified as a Variant of Uncertain Significance.

Cambridge Genomics Laboratory, East Genomic Laboratory Hub, NHS Genomic Medicine Service
Classification: Uncertain significance for Intellectual disability. Last evaluated: 2020-05-26. Review status: criteria provided, single submitter. Criteria: ACGS Best Practice Guidelines for Variant Classification in Rare Disease 2020. Collection method: clinical testing. Allele origin: germline. Affected: yes. Observed: 1 variant allele.

Dr. Peter K. Rogan Lab, Western University
No classification provided (evidence only). Condition: Uveal melanoma. Review status: no classification provided. Collection method: in vitro. Allele origin: not applicable. Functional consequence: retained intron. Not counted in ClinVar's aggregate classification.

NM_002074.5(GNB1):c.401G>A (p.Arg134His)

Gene: GNB1 (G protein subunit beta 1; minus strand). Cytogenetic location: 1p36.33.
Variant type: single nucleotide variant.
Coding change: c.401G>A on transcript NM_002074.5 (MANE Select); coding-DNA position 401, G replaced by A.
Protein change: p.Arg134His; replaces arginine 134 with histidine.
Molecular consequence: missense variant.
Genome position (GRCh38, 1-based): chr1:1,804,448, C>T on the plus strand (G>A on the coding strand, the complement: GNB1 is on the minus strand). VCF-style: chr1-1804448-C-T. GRCh37 (hg19) VCF-style: chr1-1735887-C-T.
Other names: c.101G>A, p.Arg34His (NM_001282538.2); c.401G>A, p.Arg134His (NM_001282539.2); short protein forms R34H, R134H.
Identifiers: ClinVar variation 1956570 (VCV001956570.7), dbSNP rs1646669343, ClinGen allele CA337914338.